The following is an entry in ClinVar:

NM_003073.5(SMARCB1):c.641C>T (p.Thr214Met)

Gene: SMARCB1 (SWI/SNF related BAF chromatin remodeling complex subunit B1; plus strand). Cytogenetic location: 22q11.23.
Variant type: single nucleotide variant.
Coding change: c.641C>T on transcript NM_003073.5 (MANE Select); coding-DNA position 641, C replaced by T.
Protein change: p.Thr214Met; replaces threonine 214 with methionine.
Molecular consequence: missense variant.
Genome position (GRCh38, 1-based): chr22:23,816,782, C>T. VCF-style: chr22-23816782-C-T. GRCh37 (hg19) VCF-style: chr22-24158969-C-T.
Other names: c.641C>T (NM_003073.4); c.614C>T, p.Thr205Met (NM_001007468.3); c.668C>T, p.Thr223Met (NM_001317946.2); c.695C>T, p.Thr232Met (NM_001362877.2); short protein forms T214M, T232M, T223M, T205M.
Identifiers: ClinVar variation 859261 (VCV000859261.15), dbSNP rs780906523, ClinGen allele CA410901099.

ClinVar aggregate classification (germline): Conflicting classifications of pathogenicity. Review status: criteria provided, conflicting classifications (1 of 4 stars). 4 submissions from 4 submitters: Likely pathogenic (1); Uncertain significance (3). Last evaluated 2025-11-19.

Conditions:
Ovarian cancer. Also called: OVARIAN CANCER, SOMATIC. Identifiers: Orphanet 213500, MedGen C1140680, MONDO:0008170, OMIM 167000.
Hereditary cancer-predisposing syndrome. Also called: Neoplastic Syndromes, Hereditary; Tumor predisposition; Hereditary Cancer Syndrome; Hereditary neoplastic syndrome. Identifiers: Orphanet 140162, MedGen C0027672, MeSH D009386, MONDO:0015356.

gnomAD v4.1: 12 of 1,613,756 alleles (0.00074%); highest among the groups gnomAD compares: South Asian, 0.0011%; no homozygotes.

Submissions (4):

Ambry Genetics
Classification: Uncertain significance for Hereditary cancer-predisposing syndrome. Last evaluated: 2025-11-19. Review status: criteria provided, single submitter. Criteria: Ambry Variant Classification Scheme 2023. Collection method: clinical testing. Allele origin: germline.
Comment: The p.T214M variant (also known as c.641C>T), located in coding exon 6 of the SMARCB1 gene, results from a C to T substitution at nucleotide position 641. The threonine at codon 214 is replaced by methionine, an amino acid with similar properties. This amino acid position is highly conserved in available vertebrate species. In addition, this alteration is predicted to be deleterious by in silico analysis. Based on the available evidence, the clinical significance of this alteration remains unclear.

Blueprint Genetics
Classification: Uncertain significance. Last evaluated: 2024-09-24. Review status: criteria provided, single submitter. Criteria: ACMG Guidelines, 2015. Collection method: clinical testing. Allele origin: germline.

Labcorp Genetics (formerly Invitae), Labcorp
Classification: Uncertain significance. Last evaluated: 2024-09-03. Review status: criteria provided, single submitter. Criteria: Invitae Variant Classification Sherloc (09022015). Collection method: clinical testing. Allele origin: germline.
Comment: This sequence change replaces threonine, which is neutral and polar, with methionine, which is neutral and non-polar, at codon 214 of the SMARCB1 protein (p.Thr214Met). The frequency data for this variant in the population databases is considered unreliable, as metrics indicate poor data quality at this position in the gnomAD database. This variant has not been reported in the literature in individuals affected with SMARCB1-related conditions. ClinVar contains an entry for this variant (Variation ID: 859261). Invitae Evidence Modeling of protein sequence and biophysical properties (such as structural, functional, and spatial information, amino acid conservation, physicochemical variation, residue mobility, and thermodynamic stability) indicates that this missense variant is expected to disrupt SMARCB1 protein function with a positive predictive value of 80%. In summary, the available evidence is currently insufficient to determine the role of this variant in disease. Therefore, it has been classified as a Variant of Uncertain Significance.

Laboratory of Molecular Epidemiology of Birth Defects, West China Second University Hospital, Sichuan University
Classification: Likely pathogenic for Ovarian cancer. Last evaluated: 2022-01-01. Review status: criteria provided, single submitter. Criteria: ACMG Guidelines, 2015. Collection method: clinical testing. Allele origin: germline. Affected: yes.